The following is an entry in ClinVar:

NM_006031.6(PCNT):c.4729A>G (p.Lys1577Glu)

Gene: PCNT (pericentrin; plus strand). Cytogenetic location: 21q22.3.
Variant type: single nucleotide variant.
Coding change: c.4729A>G on transcript NM_006031.6 (MANE Select); coding-DNA position 4729, A replaced by G.
Protein change: p.Lys1577Glu; replaces lysine 1577 with glutamic acid.
Molecular consequence: missense variant.
Genome position (GRCh38, 1-based): chr21:46,399,734, A>G. VCF-style: chr21-46399734-A-G. GRCh37 (hg19) VCF-style: chr21-47819648-A-G.
Other names: c.4375A>G, p.Lys1459Glu (NM_001315529.2); short protein forms K1459E, K1577E.
Identifiers: ClinVar variation 3349545 (VCV003349545.1).
Genomic context (GRCh38, chr21:46,399,734, plus strand): 5'-GTGTTAATGCAGGAAGAAGAAATTAAACGTCTGGAGGAGATGAACATCAACATCAGGAAA[A>G]AAGTGGCCCAGCTCCAGGAAGAAGTGGAAAAACAGAAAAACATCGTGAAAGGGCTGGAAC-3'
Protein context (NP_006022.3, residues 1567-1587): LEEMNINIRK[Lys1577Glu]VAQLQEEVEK

ClinVar aggregate classification (germline): Uncertain significance (0 of 4 stars; one submission).

Conditions:
PCNT-related disorder. Also called: PCNT-related condition.

Submission:

PreventionGenetics, part of Exact Sciences
Classification: Uncertain significance for PCNT-related condition. Last evaluated: 2024-02-05. Review status: no assertion criteria provided. Collection method: clinical testing. Allele origin: germline.
Comment: The PCNT c.4729A>G variant is predicted to result in the amino acid substitution p.Lys1577Glu. To our knowledge, this variant has not been reported in the literature or in a large population database, indicating this variant is rare. At this time, the clinical significance of this variant is uncertain due to the absence of conclusive functional and genetic evidence.